The following is an entry in ClinVar:

NM_000256.3(MYBPC3):c.2414G>T (p.Gly805Val)

Gene: MYBPC3 (myosin binding protein C3; minus strand). Cytogenetic location: 11p11.2.
Variant type: single nucleotide variant.
Coding change: c.2414G>T on transcript NM_000256.3 (MANE Select); coding-DNA position 2414, G replaced by T.
Protein change: p.Gly805Val; replaces glycine 805 with valine.
Molecular consequence: missense variant.
Genome position (GRCh38, 1-based): chr11:47,337,579, C>A on the plus strand (G>T on the coding strand, the complement: MYBPC3 is on the minus strand). VCF-style: chr11-47337579-C-A. GRCh37 (hg19) VCF-style: chr11-47359130-C-A.
Other names: short protein forms G805V.
Identifiers: ClinVar variation 2703154 (VCV002703154.3), dbSNP rs730880566, ClinGen allele CA380318552.
Genomic context (GRCh38, chr11:47,337,579, plus strand): 5'-AGGTCGAAGTTCAGCCGCATCCACCGGTAGCTCTTCTTCTTCTTGCGCTCCAGGATGTAG[C>A]CTGGCTCAGGGGAGGTGGCAGCTCTGGTCTGGAACCCAGGCATCCCCACACCACCTTCCC-3'
Protein context (NP_000247.2, residues 795-815): PAYDGGQPIL[Gly805Val]YILERKKKKS

ClinVar aggregate classification (germline): Uncertain significance (1 of 4 stars; one submission).

Conditions:
Hypertrophic cardiomyopathy. Also called: HYPERTROPHIC MYOCARDIOPATHY. Identifiers: Orphanet 217569, MedGen C0007194, MeSH D002312, MONDO:0005045, HP:0001639.

Submission:

Labcorp Genetics (formerly Invitae), Labcorp
Classification: Uncertain significance for Hypertrophic cardiomyopathy. Last evaluated: 2023-12-14. Review status: criteria provided, single submitter. Criteria: Invitae Variant Classification Sherloc (09022015). Collection method: clinical testing. Allele origin: germline.
Comment: This sequence change replaces glycine, which is neutral and non-polar, with valine, which is neutral and non-polar, at codon 805 of the MYBPC3 protein (p.Gly805Val). This variant is not present in population databases (gnomAD no frequency). This variant has not been reported in the literature in individuals affected with MYBPC3-related conditions. An algorithm developed to predict the effect of missense changes on protein structure and function (PolyPhen-2) suggests that this variant is likely to be disruptive. Algorithms developed to predict the effect of sequence changes on RNA splicing suggest that this variant may disrupt the consensus splice site. In summary, the available evidence is currently insufficient to determine the role of this variant in disease. Therefore, it has been classified as a Variant of Uncertain Significance.